The following is an entry in ClinVar:

ClinVar aggregate classification (germline): Uncertain significance (1 of 4 stars; one submission).

Submission:

Labcorp Genetics (formerly Invitae), Labcorp
Classification: Uncertain significance. Last evaluated: 2024-07-01. Review status: criteria provided, single submitter. Criteria: Invitae Variant Classification Sherloc (09022015). Collection method: clinical testing. Allele origin: germline.
Comment: This sequence change replaces lysine, which is basic and polar, with threonine, which is neutral and polar, at codon 325 of the DVL3 protein (p.Lys325Thr). This variant is not present in population databases (gnomAD no frequency). This variant has not been reported in the literature in individuals affected with DVL3-related conditions. ClinVar contains an entry for this variant (Variation ID: 2129346). Advanced modeling of protein sequence and biophysical properties (such as structural, functional, and spatial information, amino acid conservation, physicochemical variation, residue mobility, and thermodynamic stability) performed at Invitae indicates that this missense variant is not expected to disrupt DVL3 protein function with a negative predictive value of 80%. In summary, the available evidence is currently insufficient to determine the role of this variant in disease. Therefore, it has been classified as a Variant of Uncertain Significance.

NM_004423.4(DVL3):c.974A>C (p.Lys325Thr)

Gene: DVL3 (dishevelled segment polarity protein 3; plus strand). Cytogenetic location: 3q27.1.
Variant type: single nucleotide variant.
Coding change: c.974A>C on transcript NM_004423.4 (MANE Select); coding-DNA position 974, A replaced by C.
Protein change: p.Lys325Thr; replaces lysine 325 with threonine.
Molecular consequence: missense variant.
Genome position (GRCh38, 1-based): chr3:184,166,516, A>C. VCF-style: chr3-184166516-A-C. GRCh37 (hg19) VCF-style: chr3-183884304-A-C.
Other names: short protein forms K325T.
Identifiers: ClinVar variation 2129346 (VCV002129346.4), dbSNP rs2473700608, ClinGen allele CA355409557.